The following is an entry in ClinVar:

ClinVar aggregate classification (germline): Likely benign. Review status: criteria provided, single submitter (1 of 4 stars). 2 submissions from 2 submitters: Likely benign (1). 1 of the submissions does not count toward it. Last evaluated 2026-07-01.

Conditions:
HERC2-related disorder. Also called: HERC2-related condition.

Allele frequency attached by ClinVar (database versions not stated): gnomAD 0.00121; TOPMed 0.00131; 1000 Genomes Project 0.00140; gnomAD exomes 0.00011; ExAC 0.00028; ESP Exome Variant Server 0.00100; 1000 Genomes Project 30x 0.00109.
gnomAD v4.1: 378 of 1,614,146 alleles (0.023%); highest among the groups gnomAD compares: African/African-American, 0.43%; 1 homozygote.

Submissions (2):

CeGaT Center for Human Genetics Tuebingen
Classification: Likely benign. Last evaluated: 2026-07-01. Review status: criteria provided, single submitter. Criteria: CeGaT Center For Human Genetics Tuebingen Variant Classification Criteria Version 2. Collection method: clinical testing. Allele origin: germline. Affected: yes. Observed: 3 variant alleles.
Comment: HERC2: BP4, BP7

PreventionGenetics, part of Exact Sciences
Classification: Likely benign for HERC2-related condition. Last evaluated: 2019-10-28. Review status: no assertion criteria provided. Collection method: clinical testing. Allele origin: germline. Not counted in ClinVar's aggregate classification.
Comment: This variant is classified as likely benign based on ACMG/AMP sequence variant interpretation guidelines (Richards et al. 2015 PMID: 25741868, with internal and published modifications).

NM_004667.6(HERC2):c.1674C>T (p.Cys558=)

Gene: HERC2 (HECT and RLD domain containing E3 ubiquitin protein ligase 2; minus strand). Cytogenetic location: 15q13.1.
Variant type: single nucleotide variant.
Coding change: c.1674C>T on transcript NM_004667.6 (MANE Select); coding-DNA position 1674, C replaced by T.
Protein change: p.Cys558=; no amino-acid change (cysteine 558 retained).
Molecular consequence: synonymous variant.
Genome position (GRCh38, 1-based): chr15:28,265,899, G>A on the plus strand (C>T on the coding strand, the complement: HERC2 is on the minus strand). VCF-style: chr15-28265899-G-A. GRCh37 (hg19) VCF-style: chr15-28511045-G-A.
Other names: c.1674C>T (NM_004667.5).
Identifiers: ClinVar variation 2645080 (VCV002645080.25), dbSNP rs148362399, ClinGen allele CA7443384.
Genomic context (GRCh38, chr15:28,265,899, plus strand): 5'-CCCGCGGCCCCAGGTGTACAGCTCCCCCTCGGCAGTGATGGCCGCACTGTAAGTGCTCCC[G>A]CAAGCGATGTGCACCACGTGCTTCCCGGCCTGCTTTCCAGAGAAGGCGGAGATCACCTTA-3'
Protein context (NP_004658.3, residues 548-568): QAGKHVVHIA[Cys558=]GSTYSAAITA